The following is an entry in ClinVar:

ClinVar aggregate classification (germline): Uncertain significance (1 of 4 stars; one submission).

Conditions:
Hereditary cancer-predisposing syndrome. Also called: Neoplastic Syndromes, Hereditary; Tumor predisposition; Hereditary Cancer Syndrome; Hereditary neoplastic syndrome. Identifiers: Orphanet 140162, MedGen C0027672, MeSH D009386, MONDO:0015356.

Submission:

Ambry Genetics
Classification: Uncertain significance for Hereditary cancer-predisposing syndrome. Last evaluated: 2025-11-30. Review status: criteria provided, single submitter. Criteria: Ambry Variant Classification Scheme 2023. Collection method: clinical testing. Allele origin: germline.
Comment: The p.Q1207E variant (also known as c.3619C>G), located in coding exon 20 of the DICER1 gene, results from a C to G substitution at nucleotide position 3619. The glutamine at codon 1207 is replaced by glutamic acid, an amino acid with highly similar properties. This amino acid position is conserved. In addition, the in silico prediction for this alteration is inconclusive. Based on the available evidence, the clinical significance of this variant remains unclear.

NM_177438.3(DICER1):c.3619C>G (p.Gln1207Glu)

Gene: DICER1 (dicer 1, ribonuclease III; minus strand). Cytogenetic location: 14q32.13.
Variant type: single nucleotide variant.
Coding change: c.3619C>G on transcript NM_177438.3 (MANE Select); coding-DNA position 3619, C replaced by G.
Protein change: p.Gln1207Glu; replaces glutamine 1207 with glutamic acid.
Molecular consequence: missense variant. On other transcripts: non-coding transcript variant (6).
Genome position (GRCh38, 1-based): chr14:95,103,777, G>C on the plus strand (C>G on the coding strand, the complement: DICER1 is on the minus strand). VCF-style: chr14-95103777-G-C. GRCh37 (hg19) VCF-style: chr14-95570114-G-C.
Other names: c.3619C>G, p.Gln1207Glu (NM_001195573.1, NM_001271282.3, NM_001291628.2 and 12 more transcripts); c.3337C>G, p.Gln1113Glu (NM_001395686.1); c.3214C>G, p.Gln1072Glu (NM_001395687.1, NM_001395688.1, NM_001395689.1 and 2 more transcripts); c.3052C>G, p.Gln1018Glu (NM_001395691.1); c.1936C>G, p.Gln646Glu (NM_001395697.1); short protein forms Q1018E, Q1113E, Q1072E, Q1207E, Q646E.
Identifiers: ClinVar variation 4637825 (VCV004637825.1).